The following is an entry in ClinVar:

NM_004646.4(NPHS1):c.3352del (p.Gln1118fs)

Gene: NPHS1 (NPHS1 adhesion molecule, nephrin; minus strand). Cytogenetic location: 19q13.12.
Variant type: Deletion.
Coding change: c.3352del on transcript NM_004646.4 (MANE Select); coding-DNA position 3352, one base deleted (C; older notation c.3352delC).
Protein change: p.Gln1118fs; shifts the reading frame from glutamine 1118.
Molecular consequence: frameshift variant.
Genome position (GRCh38, 1-based): chr19:35,831,331, G deleted on the plus strand (C on the coding strand, the reverse complement: NPHS1 is on the minus strand); the first of 2 consecutive G bases (chr19:35,831,331-35,831,332); deleting either gives the same sequence. VCF-style (leftmost placement, unchanged base first): chr19-35831330-TG-T. GRCh37 (hg19) VCF-style: chr19-36322232-TG-T.
Other names: short protein forms Q1118fs.
Identifiers: ClinVar variation 1724589 (VCV001724589.2), dbSNP rs2513755545, ClinGen allele CA2580096876.
Genomic context (GRCh38, chr19:35,831,330, plus strand): 5'-GGGTCACCAGGGCCACCCCCACTTACCGTGGAGCTCTGAGTGTCCCGCTCTCCTGTCCAC[TG>T]GCTCTCCTCATATTCGTTCCTGACTCGGTCCTCTTCCGACCTTCCAGGATGAAGGTGTGG-3'

ClinVar aggregate classification (germline): Likely pathogenic (1 of 4 stars; one submission).

Conditions:
Finnish congenital nephrotic syndrome (NPHS1). Also called: NEPHROTIC SYNDROME, TYPE 1. Identifiers: Orphanet 839, MedGen C0403399, MONDO:0009732, OMIM 256300.

Submission:

Myriad Genetics, Inc.
Classification: Likely pathogenic for Finnish congenital nephrotic syndrome. Last evaluated: 2022-02-20. Review status: criteria provided, single submitter. Criteria: Myriad Women's Health Autosomal Recessive and X-Linked Classification Criteria (2021). Collection method: clinical testing. Allele origin: unknown.
Comment: NM_004646.3(NPHS1):c.3352delC(Q1118Sfs*25) is expected to be pathogenic in the context of nephrotic syndrome, NPHS1-related. This variant is predicted to lead to an abnormal or absent protein product due to the creation of a premature termination codon in NPHS1, a gene where loss-of-function variants are known to be pathogenic. Please note: this variant was assessed in the context of healthy population screening.